The following is an entry in ClinVar:

NM_000089.4(COL1A2):c.81+11del

Gene: COL1A2 (collagen type I alpha 2 chain; plus strand). Cytogenetic location: 7q21.3.
Variant type: Deletion.
Coding change: c.81+11del on transcript NM_000089.4 (MANE Select); 11 bases into the intron after coding-DNA position 81, one base deleted (C; older notation c.81+11delC).
Molecular consequence: intron variant.
Genome position (GRCh38, 1-based): chr7:94,397,769, C deleted. VCF-style (leftmost placement, unchanged base first): chr7-94397768-AC-A. GRCh37 (hg19) VCF-style: chr7-94027080-AC-A.
Other names: c.81+11delC (NM_000089.3, NM_000089.4).
Identifiers: ClinVar variation 35956 (VCV000035956.10), dbSNP rs193922174, ClinGen allele CA260385.

ClinVar aggregate classification (germline): Benign/Likely benign. Review status: criteria provided, multiple submitters, no conflicts (2 of 4 stars). 5 submissions from 5 submitters: Benign (2); Likely benign (3). Last evaluated 2025-11-11.

Conditions:
Ehlers-Danlos syndrome, classic type, 1 (EDSCL1). Also called: EHLERS-DANLOS SYNDROME, GRAVIS TYPE; EHLERS-DANLOS SYNDROME, SEVERE CLASSIC TYPE; Ehlers-Danlos syndrome, type 1; EDS I; Ehlers-Danlos Syndrome, Classic Type, COL5A1-Related. Identifiers: MedGen C0268335, MONDO:0019567, OMIM 130000.
Osteogenesis imperfecta type I (OI1). Also called: OI, TYPE I; OSTEOGENESIS IMPERFECTA TARDA; OSTEOGENESIS IMPERFECTA WITH BLUE SCLERAE; Lobstein disease; Osteogenesis imperfecta type 1; Lobstein's Disease. Identifiers: Orphanet 216796, Orphanet 666, MedGen C0023931, MONDO:0008146, OMIM 166200. Disease mechanism: loss of function.

Allele frequency attached by ClinVar (database versions not stated): gnomAD below 0.00001 and 0.00010; TOPMed 0.00003; ESP Exome Variant Server 0.00017; gnomAD exomes 0.00026 and 0.00036; 1000 Genomes Project 30x 0.00047; ExAC 0.00049.

Submissions (5):

Labcorp Genetics (formerly Invitae), Labcorp
Classification: Benign for Osteogenesis imperfecta type I; Ehlers-Danlos syndrome, classic type, 1. Last evaluated: 2025-11-11. Review status: criteria provided, single submitter. Criteria: Invitae Variant Classification Sherloc (09022015). Collection method: clinical testing. Allele origin: germline.

Women's Health and Genetics/Laboratory Corporation of America, LabCorp
Classification: Benign. Last evaluated: 2024-12-19. Review status: criteria provided, single submitter. Criteria: LabCorp Variant Classification Summary - May 2015. Collection method: clinical testing. Allele origin: germline.
Comment: Variant summary: COL1A2 c.81+11delC alters a nucleotide located at a position not widely known to affect splicing. Consensus agreement among computation tools predict no significant impact on normal splicing. However, these predictions have yet to be confirmed by functional studies. The variant allele was found at a frequency of 0.00036 in 235900 control chromosomes in the gnomAD database, including 1 homozygotes. The observed variant frequency is approximately 13 fold of the estimated maximal expected allele frequency for a pathogenic variant in COL1A2 causing Osteogenesis Imperfecta phenotype (2.8e-05). To our knowledge, no occurrence of c.81+11delC in individuals affected with Osteogenesis Imperfecta and no experimental evidence demonstrating its impact on protein function have been reported. ClinVar contains an entry for this variant (Variation ID: 35956). Based on the evidence outlined above, the variant was classified as benign.

Blueprint Genetics
Classification: Likely benign. Last evaluated: 2024-11-07. Review status: criteria provided, single submitter. Criteria: ACMG Guidelines, 2015. Collection method: clinical testing. Allele origin: germline.

ARUP Laboratories, Molecular Genetics and Genomics, ARUP Laboratories
Classification: Likely benign. Last evaluated: 2023-03-23. Review status: criteria provided, single submitter. Criteria: ARUP Molecular Germline Variant Investigation Process 2024. Collection method: clinical testing. Allele origin: germline.

GeneDx
Classification: Likely benign. Last evaluated: 2017-12-15. Review status: criteria provided, single submitter. Criteria: GeneDx Variant Classification (06012015). Collection method: clinical testing. Allele origin: germline. Affected: yes.
Comment: This variant is considered likely benign or benign based on one or more of the following criteria: it is a conservative change, it occurs at a poorly conserved position in the protein, it is predicted to be benign by multiple in silico algorithms, and/or has population frequency not consistent with disease.